The following is an entry in ClinVar:

NM_024529.5(CDC73):c.1564A>C (p.Met522Leu)

Gene: CDC73 (cell division cycle 73; plus strand). Cytogenetic location: 1q31.2.
Variant type: single nucleotide variant.
Coding change: c.1564A>C on transcript NM_024529.5 (MANE Select); coding-DNA position 1564, A replaced by C.
Protein change: p.Met522Leu; replaces methionine 522 with leucine.
Molecular consequence: missense variant.
Genome position (GRCh38, 1-based): chr1:193,250,680, A>C. VCF-style: chr1-193250680-A-C. GRCh37 (hg19) VCF-style: chr1-193219810-A-C.
Other names: short protein forms M522L.
Identifiers: ClinVar variation 1775328 (VCV001775328.2), dbSNP rs751152405, ClinGen allele CA344078685.

ClinVar aggregate classification (germline): Uncertain significance (1 of 4 stars; one submission).

Conditions:
Hereditary cancer-predisposing syndrome. Also called: Hereditary Cancer Syndrome; Hereditary neoplastic syndrome; Neoplastic Syndromes, Hereditary; Tumor predisposition. Identifiers: Orphanet 140162, MedGen C0027672, MeSH D009386, MONDO:0015356.

gnomAD v4.1: 1 of 1,607,138 alleles (0.000062%); highest among the groups gnomAD compares: Middle Eastern, 0.017%; no homozygotes.

Submission:

Ambry Genetics
Classification: Uncertain significance for Hereditary cancer-predisposing syndrome. Last evaluated: 2021-12-13. Review status: criteria provided, single submitter. Criteria: Ambry Variant Classification Scheme 2023. Collection method: clinical testing. Allele origin: germline.
Comment: The p.M522L variant (also known as c.1564A>C), located in coding exon 17 of the CDC73 gene, results from an A to C substitution at nucleotide position 1564. The methionine at codon 522 is replaced by leucine, an amino acid with highly similar properties. This amino acid position is highly conserved in available vertebrate species. In addition, this alteration is predicted to be tolerated by in silico analysis. Since supporting evidence is limited at this time, the clinical significance of this alteration remains unclear.